The following is an entry in ClinVar:

ClinVar aggregate classification (germline): Uncertain significance (1 of 4 stars; one submission).

Conditions:
Eichsfeld type congenital muscular dystrophy (CMYO3). Also called: Rigid spine muscular dystrophy 1; MYOPATHY, SEPN1-RELATED; SELENON-related myopathy; Congenital myopathy 3 with rigid spine. Identifiers: MedGen C0410180, MONDO:0100100, OMIM 602771.

Allele frequency attached by ClinVar (database versions not stated): gnomAD exomes below 0.00001; gnomAD 0.00001; TOPMed 0.00001.
gnomAD v4.1: 9 of 1,598,322 alleles (0.00056%); highest among the groups gnomAD compares: South Asian, 0.0011%; no homozygotes.

Submission:

Labcorp Genetics (formerly Invitae), Labcorp
Classification: Uncertain significance for Eichsfeld type congenital muscular dystrophy. Last evaluated: 2023-07-07. Review status: criteria provided, single submitter. Criteria: Invitae Variant Classification Sherloc (09022015). Collection method: clinical testing. Allele origin: germline.
Comment: This sequence change replaces aspartic acid, which is acidic and polar, with asparagine, which is neutral and polar, at codon 387 of the SELENON protein (p.Asp387Asn). This variant is not present in population databases (gnomAD no frequency). This variant has not been reported in the literature in individuals affected with SELENON-related conditions. ClinVar contains an entry for this variant (Variation ID: 2039848). Advanced modeling of protein sequence and biophysical properties (such as structural, functional, and spatial information, amino acid conservation, physicochemical variation, residue mobility, and thermodynamic stability) performed at Invitae indicates that this missense variant is not expected to disrupt SELENON protein function. In summary, the available evidence is currently insufficient to determine the role of this variant in disease. Therefore, it has been classified as a Variant of Uncertain Significance.

NM_206926.2(SELENON):c.1057G>A (p.Asp353Asn)

Gene: SELENON (selenoprotein N; plus strand). Cytogenetic location: 1p36.11.
Variant type: single nucleotide variant.
Coding change: c.1057G>A on transcript NM_206926.2 (MANE Select); coding-DNA position 1057, G replaced by A.
Protein change: p.Asp353Asn; replaces aspartic acid 353 with asparagine.
Molecular consequence: missense variant.
Genome position (GRCh38, 1-based): chr1:25,811,757, G>A. VCF-style: chr1-25811757-G-A. GRCh37 (hg19) VCF-style: chr1-26138248-G-A.
Other names: c.1159G>A, p.Asp387Asn (NM_020451.3); short protein forms D353N, D387N.
Identifiers: ClinVar variation 2039848 (VCV002039848.2), dbSNP rs896830297, ClinGen allele CA19698806.